The following is an entry in ClinVar:

NM_006648.4(WNK2):c.3025C>G (p.Leu1009Val)

Gene: WNK2 (WNK lysine deficient protein kinase 2; plus strand). Cytogenetic location: 9q22.31.
Variant type: single nucleotide variant.
Coding change: c.3025C>G on transcript NM_006648.4 (MANE Select); coding-DNA position 3025, C replaced by G.
Protein change: p.Leu1009Val; replaces leucine 1009 with valine.
Molecular consequence: missense variant.
Genome position (GRCh38, 1-based): chr9:93,259,573, C>G. VCF-style: chr9-93259573-C-G. GRCh37 (hg19) VCF-style: chr9-96021855-C-G.
Other names: c.3025C>G, p.Leu1009Val (NM_001282394.3); short protein forms L1009V.
Identifiers: ClinVar variation 3470247 (VCV003470247.1).

ClinVar aggregate classification (germline): Uncertain significance (1 of 4 stars; one submission).

gnomAD v4.1: 14 of 1,594,282 alleles (0.00088%); highest among the groups gnomAD compares: Non-Finnish European, 0.0011%; no homozygotes.

Submission:

Ambry Genetics
Classification: Uncertain significance. Last evaluated: 2024-11-21. Review status: criteria provided, single submitter. Criteria: Ambry Variant Classification Scheme 2023. Collection method: clinical testing. Allele origin: germline.
Comment: The p.L1009V variant (also known as c.3025C>G), located in coding exon 11 of the WNK2 gene, results from a C to G substitution at nucleotide position 3025. The leucine at codon 1009 is replaced by valine, an amino acid with highly similar properties. This amino acid position is conserved. In addition, this alteration is predicted to be tolerated by in silico analysis. Based on the available evidence, the clinical significance of this variant remains unclear.